The following is an entry in ClinVar:

NC_000006.11:g.(?_162394314)_(162683817_?)dup

Gene: PRKN (parkin RBR E3 ubiquitin protein ligase; minus strand). Cytogenetic location: 6q26.
Variant type: Duplication.
Identifiers: ClinVar variation 1513168 (VCV001513168.5).

ClinVar aggregate classification (germline): Likely pathogenic (1 of 4 stars; one submission).

Submission:

Labcorp Genetics (formerly Invitae), Labcorp
Classification: Likely pathogenic. Last evaluated: 2022-02-08. Review status: criteria provided, single submitter. Criteria: Invitae Variant Classification Sherloc (09022015). Collection method: clinical testing. Allele origin: germline.
Comment: This variant results in a copy number gain of the genomic region encompassing exon(s) 3-6 of the PRKN gene. While the exact position of this variant cannot be determined from the data, sub-genic copy number gains are generally in tandem (PMID: 25640679). This variant is predicted to be out-of-frame, and may result in an absent or disrupted protein product. Loss-of-function variants in PRKN are known to be pathogenic (PMID: 10072423, 20301651, 22956510). This variant has not been reported in the literature in individuals affected with PRKN-related conditions. In summary, the currently available evidence indicates that the variant is pathogenic, but additional data are needed to prove that conclusively. Therefore, this variant has been classified as Likely Pathogenic.

Literature cited by the submitters: PubMed 25640679; PubMed 10072423; PubMed 20301651; PubMed 22956510.